The following is an entry in ClinVar:

NC_000023.10:g.(?_53560270)_(53622363_?)dup

Genes: HUWE1 (HECT, UBA and WWE domain containing E3 ubiquitin protein ligase 1; minus strand), MIR98 (microRNA 98; minus strand), MIRLET7F2 (microRNA let-7f-2; minus strand). Cytogenetic location: Xp11.22.
Variant type: Duplication.
Identifiers: ClinVar variation 1047752 (VCV001047752.6).

ClinVar aggregate classification (germline): Uncertain significance (1 of 4 stars; one submission).

Submission:

Labcorp Genetics (formerly Invitae), Labcorp
Classification: Uncertain significance. Last evaluated: 2021-08-12. Review status: criteria provided, single submitter. Criteria: Invitae Variant Classification Sherloc (09022015). Collection method: clinical testing. Allele origin: germline.
Comment: This variant results in a copy number gain of the genomic region encompassing exon(s) 30-84 of the HUWE1 gene. This region includes the termination codon of the gene. This copy number gain extends beyond the assayed region for this gene and therefore may encompass additional genes. As the precise location of this event is unknown, it may be in tandem or it may be located elsewhere in the genome. This variant has not been reported in the literature in individuals affected with HUWE1-related conditions. In summary, the available evidence is currently insufficient to determine the role of this variant in disease. Therefore, it has been classified as a Variant of Uncertain Significance.